The following is an entry in ClinVar:

NM_003742.4(ABCB11):c.1802T>C (p.Leu601Pro)

Gene: ABCB11 (ATP binding cassette subfamily B member 11; minus strand). Cytogenetic location: 2q31.1.
Variant type: single nucleotide variant.
Coding change: c.1802T>C on transcript NM_003742.4 (MANE Select); coding-DNA position 1802, T replaced by C.
Protein change: p.Leu601Pro; replaces leucine 601 with proline.
Molecular consequence: missense variant.
Genome position (GRCh38, 1-based): chr2:168,970,052, A>G on the plus strand (T>C on the coding strand, the complement: ABCB11 is on the minus strand). VCF-style: chr2-168970052-A-G. GRCh37 (hg19) VCF-style: chr2-169826562-A-G.
Other names: c.1802T>C (NM_003742.2); c.1802T>C, p.Leu601Pro (LRG_1199t1); short protein forms L601P.
Identifiers: ClinVar variation 290968 (VCV000290968.6), dbSNP rs886044602, ClinGen allele CA10606964.

ClinVar aggregate classification (germline): Uncertain significance. Review status: criteria provided, multiple submitters, no conflicts (2 of 4 stars). 2 submissions from 2 submitters: Uncertain significance (2). Last evaluated 2026-04-09.

Conditions:
ABCB11-related disorder. Also called: ABCB11-related condition.

Submissions (2):

PreventionGenetics, part of Exact Sciences
Classification: Uncertain significance for ABCB11-related condition. Last evaluated: 2026-04-09. Review status: criteria provided, single submitter. Criteria: ACMG Guidelines, 2015. Collection method: clinical testing. Allele origin: germline.
Comment: The ABCB11 c.1802T>C variant is predicted to result in the amino acid substitution p.Leu601Pro. To our knowledge, this variant has not been reported in the literature or in a large population database (gnomAD), indicating this variant is rare. At this time, the clinical significance of this variant is uncertain due to the absence of conclusive functional and genetic evidence.

Eurofins Ntd Llc (ga)
Classification: Uncertain significance. Last evaluated: 2016-08-25. Review status: criteria provided, single submitter. Criteria: EGL Classification Definitions 2015. Collection method: clinical testing. Allele origin: germline. Observed: 1 variant allele, 1 heterozygote.